The following is an entry in ClinVar:

ClinVar aggregate classification (germline): Uncertain significance (1 of 4 stars; one submission).

Conditions:
Neuropathy, hereditary sensory and autonomic, type 2A (HSAN2A). Also called: WNK1-Related HSAN2 (HSAN2A); ACROOSTEOLYSIS, GIACCAI TYPE; ACROOSTEOLYSIS, NEUROGENIC; MORVAN DISEASE; NEUROPATHY, CONGENITAL SENSORY; NEUROPATHY, HEREDITARY SENSORY RADICULAR, AUTOSOMAL RECESSIVE. Identifiers: Orphanet 970, MedGen C2752089, MONDO:0024309, OMIM 201300.
Generalized epilepsy with febrile seizures plus, type 7 (GEFSP7). Also called: GEFS+, TYPE 7. Identifiers: Orphanet 36387, MedGen C2751778, MONDO:0013470, OMIM 613863.

Submission:

Labcorp Genetics (formerly Invitae), Labcorp
Classification: Uncertain significance for Neuropathy, hereditary sensory and autonomic, type 2A; Generalized epilepsy with febrile seizures plus, type 7. Last evaluated: 2016-11-03. Review status: criteria provided, single submitter. Criteria: Invitae Variant Classification Sherloc (09022015). Collection method: clinical testing. Allele origin: germline.
Comment: This sequence change replaces asparagine with serine at codon 769 of the SCN9A protein (p.Asn769Ser). The asparagine residue is highly conserved and there is a small physicochemical difference between asparagine and serine. This variant is not present in population databases (ExAC no frequency) and has not been reported in the literature in individuals with a SCN9A-related disease. Algorithms developed to predict the effect of missense changes on protein structure and function (SIFT, PolyPhen-2, Align-GVGD) all suggest that this variant is likely to be disruptive, but these predictions have not been confirmed by published functional studies. In summary, this variant is a novel missense change with uncertain impact on protein function. It has been classified as a Variant of Uncertain Significance.

NM_001365536.1(SCN9A):c.2339A>G (p.Asn780Ser)

Genes: SCN1A-AS1 (SCN1A and SCN9A antisense RNA 1; plus strand), SCN9A (sodium voltage-gated channel alpha subunit 9; minus strand). Cytogenetic location: 2q24.3.
Variant type: single nucleotide variant.
Coding change: c.2339A>G on transcript NM_001365536.1 (MANE Select); coding-DNA position 2339, A replaced by G.
Protein change: p.Asn780Ser; replaces asparagine 780 with serine.
Molecular consequence: missense variant.
Genome position (GRCh38, 1-based): chr2:166,280,361, T>C on the plus strand (A>G on the coding strand, the complement: SCN9A is on the minus strand). VCF-style: chr2-166280361-T-C. GRCh37 (hg19) VCF-style: chr2-167136871-T-C.
Other names: c.2306A>G, p.Asn769Ser (NM_002977.4); short protein forms N769S, N780S.
Identifiers: ClinVar variation 408578 (VCV000408578.9), dbSNP rs1060502048, ClinGen allele CA16610280.